The following is an entry in ClinVar:

ClinVar aggregate classification (germline): Likely benign (1 of 4 stars; one submission).

Submission:

Center for Pediatric Genomic Medicine, Children's Mercy Hospital and Clinics
Classification: Likely benign. Last evaluated: 2014-10-13. Review status: criteria provided, single submitter. Criteria: ACMG Guidelines, 2015. Collection method: clinical testing. Allele origin: germline.
ClinVar note: Converted during submission from Likely Benign to Likely benign.

NC_012920.1(MT-ND1):m.4023T>C

Gene: MT-ND1 (mitochondrially encoded NADH dehydrogenase 1; plus strand).
Variant type: single nucleotide variant.
Genome position: chrM-4023-T-C.
Identifiers: ClinVar variation 235434 (VCV000235434.3), dbSNP rs878853034, ClinGen allele CA10581309.